The following is an entry in ClinVar:

ClinVar aggregate classification (germline): Uncertain significance (1 of 4 stars; one submission).

Submission:

GeneDx
Classification: Uncertain significance. Last evaluated: 2024-04-02. Review status: criteria provided, single submitter. Criteria: GeneDx Variant Classification Process June 2021. Collection method: clinical testing. Allele origin: germline. Affected: yes.
Comment: Not observed at significant frequency in large population cohorts (gnomAD); In silico analysis supports that this missense variant has a deleterious effect on protein structure/function; Has not been previously published as pathogenic or benign to our knowledge

NM_001136193.2(FASTKD2):c.830T>C (p.Leu277Ser)

Genes: FASTKD2 (FAST kinase domains 2; plus strand), LOC126806484 (CDK7 strongly-dependent group 2 enhancer GRCh37_chr2:207634423-207635622; plus strand). Cytogenetic location: 2q33.3.
Variant type: single nucleotide variant.
Coding change: c.830T>C on transcript NM_001136193.2 (MANE Select); coding-DNA position 830, T replaced by C.
Protein change: p.Leu277Ser; replaces leucine 277 with serine.
Molecular consequence: missense variant.
Genome position (GRCh38, 1-based): chr2:206,770,143, T>C. VCF-style: chr2-206770143-T-C. GRCh37 (hg19) VCF-style: chr2-207634867-T-C.
Other names: c.830T>C, p.Leu277Ser (NM_001136194.2, NM_014929.4); short protein forms L277S.
Identifiers: ClinVar variation 3371667 (VCV003371667.1).